The following is an entry in ClinVar:

NM_001376.5(DYNC1H1):c.4074+4_4074+5delinsAT

Gene: DYNC1H1 (dynein cytoplasmic 1 heavy chain 1; plus strand). Cytogenetic location: 14q32.31.
Variant type: Indel.
Coding change: c.4074+4_4074+5delinsAT on transcript NM_001376.5 (MANE Select); bases 4 to 5 of the intron after coding-DNA position 4074, TA replaced by AT.
Molecular consequence: intron variant.
Genome position (GRCh38, 1-based): chr14:102,000,403-102,000,404, TA replaced by AT. VCF-style: chr14-102000403-TA-AT. GRCh37 (hg19) VCF-style: chr14-102466740-TA-AT.
Identifiers: ClinVar variation 1515998 (VCV001515998.6), dbSNP rs2141285280, ClinGen allele CA2573150376.

ClinVar aggregate classification (germline): Uncertain significance (1 of 4 stars; one submission).

Conditions:
Charcot-Marie-Tooth disease axonal type 2O. Also called: Charcot-Marie-Tooth Neuropathy Type 2O; CHARCOT-MARIE-TOOTH NEUROPATHY, AXONAL, TYPE 2O; CHARCOT-MARIE-TOOTH DISEASE, AXONAL, AUTOSOMAL DOMINANT, TYPE 2O; Charcot-Marie-Tooth disease, axonal, type 20. Identifiers: Orphanet 284232, MedGen C3280220, MONDO:0013644, OMIM 614228.

Submission:

Labcorp Genetics (formerly Invitae), Labcorp
Classification: Uncertain significance for Charcot-Marie-Tooth disease axonal type 2O. Last evaluated: 2021-07-14. Review status: criteria provided, single submitter. Criteria: Invitae Variant Classification Sherloc (09022015). Collection method: clinical testing. Allele origin: germline.
Comment: This sequence change falls in intron 18 of the DYNC1H1 gene. It does not directly change the encoded amino acid sequence of the DYNC1H1 protein. It affects a nucleotide within the consensus splice site of the intron. The frequency data for this variant in the population databases is not available, as this variant may be reported as separate entries in the ExAC database. This variant has not been reported in the literature in individuals affected with DYNC1H1-related conditions. Nucleotide substitutions within the consensus splice site are a relatively common cause of aberrant splicing (PMID: 17576681, 9536098). Algorithms developed to predict the effect of sequence changes on RNA splicing suggest that this variant may create or strengthen a splice site. In summary, the available evidence is currently insufficient to determine the role of this variant in disease. Therefore, it has been classified as a Variant of Uncertain Significance.

Literature cited by the submitters: PubMed 17576681; PubMed 9536098.